The following is an entry in ClinVar:

ClinVar aggregate classification (germline): Uncertain significance (1 of 4 stars; one submission).

gnomAD v4.1: 2 of 1,197,050 alleles (0.00017%); highest among the groups gnomAD compares: Non-Finnish European, 0.00023%; no homozygotes.

Submission:

Labcorp Genetics (formerly Invitae), Labcorp
Classification: Uncertain significance. Last evaluated: 2024-04-25. Review status: criteria provided, single submitter. Criteria: Invitae Variant Classification Sherloc (09022015). Collection method: clinical testing. Allele origin: germline.
Comment: This sequence change affects codon 646 of the ABCB7 mRNA. It is a 'silent' change, meaning that it does not change the encoded amino acid sequence of the ABCB7 protein. This variant also falls at the last nucleotide of exon 14, which is part of the consensus splice site for this exon. This variant is present in population databases (no rsID available, gnomAD 0.009%), including at least one homozygous and/or hemizygous individual. This variant has not been reported in the literature in individuals affected with ABCB7-related conditions. An algorithm developed to predict the effect of missense changes on protein structure and function (PolyPhen-2) suggests that this variant is likely to be disruptive. Variants that disrupt the consensus splice site are a relatively common cause of aberrant splicing (PMID: 17576681, 9536098). In summary, the available evidence is currently insufficient to determine the role of this variant in disease. Therefore, it has been classified as a Variant of Uncertain Significance.

Literature cited by the submitters: PubMed 17576681; PubMed 9536098.

NM_001271696.3(ABCB7):c.1935G>C (p.Glu645Asp)

Gene: ABCB7 (ATP binding cassette subfamily B member 7; minus strand). Cytogenetic location: Xq13.3.
Variant type: single nucleotide variant.
Coding change: c.1935G>C on transcript NM_001271696.3 (MANE Select); coding-DNA position 1935, G replaced by C.
Protein change: p.Glu645Asp; replaces glutamic acid 645 with aspartic acid.
Molecular consequence: missense variant.
Genome position (GRCh38, 1-based): chrX:75,062,328, C>G on the plus strand (G>C on the coding strand, the complement: ABCB7 is on the minus strand). VCF-style: chrX-75062328-C-G. GRCh37 (hg19) VCF-style: chrX-74282163-C-G.
Other names: c.1815G>C, p.Glu605Asp (NM_001271697.3); c.1857G>C, p.Glu619Asp (NM_001271698.3); c.1818G>C, p.Glu606Asp (NM_001271699.3); c.1938G>C, p.Glu646Asp (NM_004299.6); short protein forms E605D, E619D, E645D, E606D, E646D.
Identifiers: ClinVar variation 3665425 (VCV003665425.2).